The following is an entry in ClinVar:

ClinVar aggregate classification (germline): Uncertain significance (1 of 4 stars; one submission).

Conditions:
Agammaglobulinemia 2, autosomal recessive (AGM2). Also called: AGAMMAGLOBULINEMIA, AUTOSOMAL RECESSIVE, DUE TO IGLL1 DEFECT. Identifiers: MedGen C3150750, MONDO:0013287, OMIM 613500.

Submission:

Labcorp Genetics (formerly Invitae), Labcorp
Classification: Uncertain significance for Agammaglobulinemia 2, autosomal recessive. Last evaluated: 2022-06-09. Review status: criteria provided, single submitter. Criteria: Invitae Variant Classification Sherloc (09022015). Collection method: clinical testing. Allele origin: germline.
Comment: Experimental studies and prediction algorithms are not available or were not evaluated, and the functional significance of this variant is currently unknown. This variant, c.161_169dup, results in the insertion of 3 amino acid(s) of the IGLL1 protein (p.Ala54_Gly56dup), but otherwise preserves the integrity of the reading frame. This variant is not present in population databases (gnomAD no frequency). This variant has not been reported in the literature in individuals affected with IGLL1-related conditions. In summary, the available evidence is currently insufficient to determine the role of this variant in disease. Therefore, it has been classified as a Variant of Uncertain Significance.

NM_020070.4(IGLL1):c.161_169dup (p.Ala54_Gly56dup)

Gene: IGLL1 (immunoglobulin lambda like polypeptide 1; minus strand). Cytogenetic location: 22q11.23.
Variant type: Duplication.
Coding change: c.161_169dup on transcript NM_020070.4 (MANE Select); coding-DNA positions 161 to 169, 9 bases duplicated (CCCCTGGAG; older notation c.161_169dupCCCCTGGAG).
Protein change: p.Ala54_Gly56dup.
Molecular consequence: inframe insertion.
Genome position (GRCh38, 1-based): chr22:23,580,022-23,580,030, CTCCAGGGG duplicated on the plus strand (CCCCTGGAG on the coding strand, the reverse complement: IGLL1 is on the minus strand); duplicating any 9 consecutive bases within chr22:23,580,022-23,580,038 gives the same sequence; the c. name uses the placement nearest the transcript's 3' end. VCF-style (leftmost placement, unchanged base first): chr22-23580021-C-CCTCCAGGGG. GRCh37 (hg19) VCF-style: chr22-23922208-C-CCTCCAGGGG.
Other names: c.161_169dup, p.Ala54_Gly56dup (NM_001369906.1, NM_152855.3).
Identifiers: ClinVar variation 1372169 (VCV001372169.6), dbSNP rs2123705600, ClinGen allele CA2573157752.